The following is an entry in ClinVar:

ClinVar aggregate classification (germline): Likely benign. Review status: criteria provided, multiple submitters, no conflicts (2 of 4 stars). 3 submissions from 3 submitters: Likely benign (3). Last evaluated 2023-11-20.

Conditions:
Cardiac arrhythmia. Also called: Cardiac rhythm disease; Arrhythmia. Identifiers: MedGen C0003811, MONDO:0007263, HP:0011675.
Long QT syndrome (LQTS). Identifiers: MedGen C0023976, MeSH D008133, MONDO:0002442. Disease mechanism: loss of function. Inheritance: Various modes of inheritance.

Allele frequency attached by ClinVar (database versions not stated): gnomAD exomes below 0.00001; TOPMed below 0.00001.
gnomAD v4.1: 4 of 1,612,824 alleles (0.00025%); highest among the groups gnomAD compares: Non-Finnish European, 0.00017%; no homozygotes.

Submissions (3):

All of Us Research Program, National Institutes of Health
Classification: Likely benign for Long QT syndrome. Last evaluated: 2023-11-20. Review status: criteria provided, single submitter. Criteria: ACMG Guidelines, 2015. Collection method: clinical testing. Allele origin: germline. Inheritance: Autosomal dominant inheritance. Observed: 2 variant alleles, 2 heterozygotes.
Comment: This study involves interpretation of variants in research participants for the purpose of population health screening. Participant phenotype was not available at the time of variant classification. Additional details can be found in publication PMID: 35346344, PMCID: PMC8962531

Labcorp Genetics (formerly Invitae), Labcorp
Classification: Likely benign for Long QT syndrome. Last evaluated: 2022-08-12. Review status: criteria provided, single submitter. Criteria: Invitae Variant Classification Sherloc (09022015). Collection method: clinical testing. Allele origin: germline.

Color Diagnostics, LLC DBA Color Health
Classification: Likely benign for Arrhythmia. Last evaluated: 2018-12-10. Review status: criteria provided, single submitter. Criteria: ACMG Guidelines, 2015. Collection method: clinical testing. Allele origin: germline.

NM_000238.4(KCNH2):c.2955C>T (p.Asn985=)

Gene: KCNH2 (potassium voltage-gated channel subfamily H member 2; minus strand). Cytogenetic location: 7q36.1.
Variant type: single nucleotide variant.
Coding change: c.2955C>T on transcript NM_000238.4 (MANE Select); coding-DNA position 2955, C replaced by T.
Protein change: p.Asn985=; no amino-acid change (asparagine 985 retained).
Molecular consequence: synonymous variant.
Genome position (GRCh38, 1-based): chr7:150,947,616, G>A on the plus strand (C>T on the coding strand, the complement: KCNH2 is on the minus strand). VCF-style: chr7-150947616-G-A. GRCh37 (hg19) VCF-style: chr7-150644704-G-A.
Other names: c.1935C>T, p.Asn645= (NM_172057.3).
Identifiers: ClinVar variation 741784 (VCV000741784.16), dbSNP rs1584844286, ClinGen allele CA458870776.